The following is an entry in ClinVar:

ClinVar aggregate classification (germline): Uncertain significance. Review status: criteria provided, multiple submitters, no conflicts (2 of 4 stars). 2 submissions from 2 submitters: Uncertain significance (2). Last evaluated 2023-10-05.

Allele frequency attached by ClinVar (database versions not stated): gnomAD exomes 0.00001; ExAC 0.00002; TOPMed 0.00003; gnomAD 0.00004; 1000 Genomes Project 30x 0.00016; 1000 Genomes Project 0.00020.
gnomAD v4.1: 18 of 1,614,042 alleles (0.0011%); highest among the groups gnomAD compares: Middle Eastern, 0.033%; no homozygotes.

Submissions (2):

Ambry Genetics
Classification: Uncertain significance. Last evaluated: 2023-10-05. Review status: criteria provided, single submitter. Criteria: Ambry Variant Classification Scheme 2023. Collection method: clinical testing. Allele origin: germline.

Labcorp Genetics (formerly Invitae), Labcorp
Classification: Uncertain significance. Last evaluated: 2023-01-28. Review status: criteria provided, single submitter. Criteria: Invitae Variant Classification Sherloc (09022015). Collection method: clinical testing. Allele origin: germline.
Comment: This sequence change replaces isoleucine, which is neutral and non-polar, with leucine, which is neutral and non-polar, at codon 1241 of the NIN protein (p.Ile1241Leu). In summary, the available evidence is currently insufficient to determine the role of this variant in disease. Therefore, it has been classified as a Variant of Uncertain Significance. Algorithms developed to predict the effect of missense changes on protein structure and function output the following: SIFT: "Tolerated"; PolyPhen-2: "Benign"; Align-GVGD: "Class C0". The leucine amino acid residue is found in multiple mammalian species, which suggests that this missense change does not adversely affect protein function. This variant has not been reported in the literature in individuals affected with NIN-related conditions. This variant is present in population databases (rs560211303, gnomAD 0.01%).

NM_020921.4(NIN):c.3721A>C (p.Ile1241Leu)

Gene: NIN (ninein; minus strand). Cytogenetic location: 14q22.1.
Variant type: single nucleotide variant.
Coding change: c.3721A>C on transcript NM_020921.4 (MANE Select); coding-DNA position 3721, A replaced by C.
Protein change: p.Ile1241Leu; replaces isoleucine 1241 with leucine.
Molecular consequence: missense variant. On other transcripts: intron variant (1).
Genome position (GRCh38, 1-based): chr14:50,757,309, T>G on the plus strand (A>C on the coding strand, the complement: NIN is on the minus strand). VCF-style: chr14-50757309-T-G. GRCh37 (hg19) VCF-style: chr14-51224027-T-G.
Other names: c.3721A>C (NM_020921.3); c.3721A>C, p.Ile1241Leu (NM_182944.3, NM_182946.2); c.2400-2442A>C (NM_016350.5); short protein forms I1241L.
Identifiers: ClinVar variation 3001803 (VCV003001803.4), dbSNP rs560211303, ClinGen allele CA7181693.